The following is an entry in ClinVar:

NM_016169.4(SUFU):c.1042G>C (p.Glu348Gln)

Gene: SUFU (SUFU negative regulator of hedgehog signaling; plus strand). Cytogenetic location: 10q24.32.
Variant type: single nucleotide variant.
Coding change: c.1042G>C on transcript NM_016169.4 (MANE Select); coding-DNA position 1042, G replaced by C.
Protein change: p.Glu348Gln; replaces glutamic acid 348 with glutamine.
Molecular consequence: missense variant.
Genome position (GRCh38, 1-based): chr10:102,615,287, G>C. VCF-style: chr10-102615287-G-C. GRCh37 (hg19) VCF-style: chr10-104375044-G-C.
Other names: c.1042G>C, p.Glu348Gln (NM_001178133.2); short protein forms E348Q.
Identifiers: ClinVar variation 850706 (VCV000850706.13), dbSNP rs1447671524, ClinGen allele CA377913687.
Genomic context (GRCh38, chr10:102,615,287, plus strand): 5'-TTTCACCTTGTGCCGAACCTTTTCCTGTGCTTGCTTCACAGGAGCCGCAAAGACAGCCTG[G>C]AAAGTGACAGCTCCACGGCCATCATTCCCCATGAGCTGATTCGCACGCGGCAGCTTGAGA-3'
Protein context (NP_057253.2, residues 338-358): DRAPSRKDSL[Glu348Gln]SDSSTAIIPH

ClinVar aggregate classification (germline): Uncertain significance. Review status: criteria provided, multiple submitters, no conflicts (2 of 4 stars). 2 submissions from 2 submitters: Uncertain significance (2). Last evaluated 2024-12-25.

Conditions:
Gorlin syndrome. Also called: Nevoid Basal Cell Carcinoma Syndrome; Basal cell nevus syndrome. Identifiers: Orphanet 377, MedGen C0004779, MONDO:0007187.
Medulloblastoma (MDB). Also called: Medulloblastoma, somatic; MEDULLOBLASTOMA PREDISPOSITION SYNDROME. Identifiers: Orphanet 616, MedGen C0025149, MeSH D008527, MONDO:0007959, OMIM 155255, HP:0002885.
Hereditary cancer-predisposing syndrome. Also called: Neoplastic Syndromes, Hereditary; Hereditary Cancer Syndrome; Hereditary neoplastic syndrome; Tumor predisposition. Identifiers: Orphanet 140162, MedGen C0027672, MeSH D009386, MONDO:0015356.

Allele frequency attached by ClinVar (database versions not stated): gnomAD 0.00001; TOPMed 0.00001.

Submissions (2):

Ambry Genetics
Classification: Uncertain significance for Hereditary cancer-predisposing syndrome. Last evaluated: 2024-12-25. Review status: criteria provided, single submitter. Criteria: Ambry Variant Classification Scheme 2023. Collection method: clinical testing. Allele origin: germline.
Comment: The p.E348Q variant (also known as c.1042G>C), located in coding exon 9 of the SUFU gene, results from a G to C substitution at nucleotide position 1042. The glutamic acid at codon 348 is replaced by glutamine, an amino acid with highly similar properties. This amino acid position is conserved. In addition, this alteration is predicted to be tolerated by in silico analysis. Since supporting evidence is limited at this time, the clinical significance of this alteration remains unclear.

Labcorp Genetics (formerly Invitae), Labcorp
Classification: Uncertain significance for Gorlin syndrome; Medulloblastoma. Last evaluated: 2024-10-16. Review status: criteria provided, single submitter. Criteria: Invitae Variant Classification Sherloc (09022015). Collection method: clinical testing. Allele origin: germline.
Comment: This sequence change replaces glutamic acid, which is acidic and polar, with glutamine, which is neutral and polar, at codon 348 of the SUFU protein (p.Glu348Gln). This variant is not present in population databases (gnomAD no frequency). This variant has not been reported in the literature in individuals affected with SUFU-related conditions. ClinVar contains an entry for this variant (Variation ID: 850706). Invitae Evidence Modeling of protein sequence and biophysical properties (such as structural, functional, and spatial information, amino acid conservation, physicochemical variation, residue mobility, and thermodynamic stability) indicates that this missense variant is not expected to disrupt SUFU protein function with a negative predictive value of 80%. In summary, the available evidence is currently insufficient to determine the role of this variant in disease. Therefore, it has been classified as a Variant of Uncertain Significance.